The following is an entry in ClinVar:

ClinVar aggregate classification (germline): Likely pathogenic (1 of 4 stars; one submission).

Conditions:
Polycystic kidney disease 4 (PKD4). Also called: POLYCYSTIC KIDNEY AND HEPATIC DISEASE 1; POLYCYSTIC KIDNEY DISEASE, INFANTILE, TYPE I; POLYCYSTIC KIDNEY DISEASE 4 WITH OR WITHOUT POLYCYSTIC LIVER DISEASE; PKD3; Autosomal Recessive Polycystic Kidney Disease – PKHD1. Identifiers: MedGen C4540575, MONDO:0033004, OMIM 263200.

Submission:

Johns Hopkins Genomics, Johns Hopkins University
Classification: Likely pathogenic for Polycystic kidney disease 4. Last evaluated: 2024-03-25. Review status: criteria provided, single submitter. Criteria: ACMG Guidelines, 2015. Collection method: clinical testing. Allele origin: germline.
Comment: This PKHD1 variant is absent from a large population dataset and has not been reported in ClinVar, nor the literature, to our knowledge. This frameshift variant results in a premature stop codon in exon 34 of 67, likely leading to nonsense-mediated decay and lack of protein production. We consider c.5483_5484del in PKHD1 to be likely pathogenic.

NM_138694.4(PKHD1):c.5483_5484del (p.Glu1828fs)

Gene: PKHD1 (PKHD1 ciliary IPT domain containing fibrocystin/polyductin; minus strand). Cytogenetic location: 6p12.2.
Variant type: Microsatellite.
Coding change: c.5483_5484del on transcript NM_138694.4 (MANE Select); coding-DNA positions 5483 to 5484, 2 bases deleted (AG; older notation c.5483_5484delAG).
Protein change: p.Glu1828fs; shifts the reading frame from glutamic acid 1828.
Molecular consequence: frameshift variant.
Genome position (GRCh38, 1-based): chr6:52,017,526-52,017,527, CT deleted on the plus strand (AG on the coding strand, the reverse complement: PKHD1 is on the minus strand); deleting any 2 consecutive bases within chr6:52,017,526-52,017,529 gives the same sequence; the c. name uses the placement nearest the transcript's 3' end. VCF-style (leftmost placement, unchanged base first): chr6-52017525-GCT-G. GRCh37 (hg19) VCF-style: chr6-51882323-GCT-G.
Other names: c.5483_5484del, p.Glu1828fs (NM_170724.3); short protein forms E1828fs.
Identifiers: ClinVar variation 4280018 (VCV004280018.1).
Genomic context (GRCh38, chr6:52,017,525, plus strand): 5'-CAAAGAGGCATTGGGAACTTTCCTCGCAAATGTAGAGGTAAGGCCACGATTCAAGCAGTT[GCT>G]CTGTCGCCATGGCAACTGTCAAATCACACTGCACATAGGTGTGTCTGGCAGCCTCACAGC-3'